The following is an entry in ClinVar:

NM_000322.5(PRPH2):c.703A>G (p.Ser235Gly)

Gene: PRPH2 (peripherin 2; minus strand). Cytogenetic location: 6p21.1.
Variant type: single nucleotide variant.
Coding change: c.703A>G on transcript NM_000322.5 (MANE Select); coding-DNA position 703, A replaced by G.
Protein change: p.Ser235Gly; replaces serine 235 with glycine.
Molecular consequence: missense variant.
Genome position (GRCh38, 1-based): chr6:42,704,490, T>C on the plus strand (A>G on the coding strand, the complement: PRPH2 is on the minus strand). VCF-style: chr6-42704490-T-C. GRCh37 (hg19) VCF-style: chr6-42672228-T-C.
Other names: short protein forms S235G.
Identifiers: ClinVar variation 2177845 (VCV002177845.4), dbSNP rs1800112679, ClinGen allele CA364135232.

ClinVar aggregate classification (germline): Uncertain significance (1 of 4 stars; one submission).

Conditions:
PRPH2-related disorder. Also called: PRPH2-related disorders; PRPH2-related condition. Identifiers: MedGen CN239395.

Allele frequency attached by ClinVar (database versions not stated): TOPMed 0.00001.

Submission:

Labcorp Genetics (formerly Invitae), Labcorp
Classification: Uncertain significance for PRPH2-related disorder. Last evaluated: 2025-06-04. Review status: criteria provided, single submitter. Criteria: Invitae Variant Classification Sherloc (09022015). Collection method: clinical testing. Allele origin: germline.
Comment: This sequence change replaces serine, which is neutral and polar, with glycine, which is neutral and non-polar, at codon 235 of the PRPH2 protein (p.Ser235Gly). This variant is not present in population databases (gnomAD no frequency). This variant has not been reported in the literature in individuals affected with PRPH2-related conditions. ClinVar contains an entry for this variant (Variation ID: 2177845). Invitae Evidence Modeling of protein sequence and biophysical properties (such as structural, functional, and spatial information, amino acid conservation, physicochemical variation, residue mobility, and thermodynamic stability) has been performed for this missense variant. However, the output from this modeling did not meet the statistical confidence thresholds required to predict the impact of this variant on PRPH2 protein function. In summary, the available evidence is currently insufficient to determine the role of this variant in disease. Therefore, it has been classified as a Variant of Uncertain Significance.